The following is an entry in ClinVar:

ClinVar aggregate classification (germline): Likely benign. Review status: criteria provided, single submitter (1 of 4 stars). 2 submissions from 2 submitters: Likely benign (1). 1 of the submissions does not count toward it. Last evaluated 2024-11-27.

Conditions:
IQCE-related disorder. Also called: IQCE-related condition.

Submissions (2):

Blueprint Genetics
Classification: Likely benign. Last evaluated: 2024-11-27. Review status: criteria provided, single submitter. Criteria: ACMG Guidelines, 2015. Collection method: clinical testing. Allele origin: germline.

PreventionGenetics, part of Exact Sciences
Classification: Likely benign for IQCE-related condition. Last evaluated: 2024-06-22. Review status: no assertion criteria provided. Collection method: clinical testing. Allele origin: germline. Not counted in ClinVar's aggregate classification.
Comment: This variant is classified as likely benign based on ACMG/AMP sequence variant interpretation guidelines (Richards et al. 2015 PMID: 25741868, with internal and published modifications).

NM_152558.5(IQCE):c.1609-6_1609-5dup

Gene: IQCE (IQ motif containing E; plus strand). Cytogenetic location: 7p22.3.
Variant type: Duplication.
Coding change: c.1609-6_1609-5dup on transcript NM_152558.5 (MANE Select); 6 bases into the intron before coding-DNA position 1609 through 5 bases into the intron before coding-DNA position 1609, 2 bases duplicated (TT; older notation c.1609-6_1609-5dupTT).
Molecular consequence: intron variant.
Genome position (GRCh38, 1-based): chr7:2,601,435-2,601,436, TT duplicated; duplicating any 2 consecutive bases within chr7:2,601,426-2,601,436 gives the same sequence; the c. name uses the placement nearest the transcript's 3' end. VCF-style (leftmost placement, unchanged base first): chr7-2601425-C-CTT. GRCh37 (hg19) VCF-style: chr7-2641059-C-CTT.
Other names: c.1561-6_1561-5dup (NM_001410865.1, NM_001287500.2); c.1414-6_1414-5dup (NM_001287501.2, NM_001287502.2); c.1609-6_1609-5dup (NM_001287499.2).
Identifiers: ClinVar variation 3352690 (VCV003352690.2).